The following is an entry in ClinVar:

ClinVar aggregate classification (germline): Likely benign. Review status: criteria provided, multiple submitters, no conflicts (2 of 4 stars). 4 submissions from 4 submitters: Likely benign (4). Last evaluated 2025-07-21.

Conditions:
Familial sleep-related hypermotor epilepsy. Also called: Autosomal Dominant Sleep-Related Hypermotor (Hyperkinetic) Epilepsy. Identifiers: Orphanet 98784, MedGen C3696898, MONDO:0000030.
Inborn genetic diseases. Identifiers: MedGen C0950123, MeSH D030342.

Allele frequency attached by ClinVar (database versions not stated): gnomAD exomes 0.00001; TOPMed 0.00008.
gnomAD v4.1: 101 of 1,480,618 alleles (0.0068%); highest among the groups gnomAD compares: African/African-American, 0.018%; no homozygotes.

Submissions (4):

Labcorp Genetics (formerly Invitae), Labcorp
Classification: Likely benign. Last evaluated: 2025-07-21. Review status: criteria provided, single submitter. Criteria: Invitae Variant Classification Sherloc (09022015). Collection method: clinical testing. Allele origin: germline.

Ambry Genetics
Classification: Likely benign for Inborn genetic diseases. Last evaluated: 2025-07-01. Review status: criteria provided, single submitter. Criteria: Ambry Variant Classification Scheme 2023. Collection method: clinical testing. Allele origin: germline.

Athena Diagnostics
Classification: Likely benign. Last evaluated: 2024-12-30. Review status: criteria provided, single submitter. Criteria: Athena Diagnostics Criteria. Collection method: clinical testing. Allele origin: unknown.
Comment: The frequency of this variant in the general population is higher than would generally be expected for pathogenic variants in this gene. Computational tools predict this amino acid change may be benign.

GeneDx
Classification: Likely benign. Last evaluated: 2020-11-20. Review status: criteria provided, single submitter. Criteria: GeneDx Variant Classification Process June 2021. Collection method: clinical testing. Allele origin: germline. Affected: yes.

NM_000744.7(CHRNA4):c.16C>T (p.Pro6Ser)

Genes: CHRNA4 (cholinergic receptor nicotinic alpha 4 subunit; minus strand), LOC100130587 (uncharacterized LOC100130587; plus strand). Cytogenetic location: 20q13.33.
Variant type: single nucleotide variant.
Coding change: c.16C>T on transcript NM_000744.7 (MANE Select); coding-DNA position 16, C replaced by T.
Protein change: p.Pro6Ser; replaces proline 6 with serine.
Molecular consequence: missense variant. On other transcripts: non-coding transcript variant (1), intron variant (1).
Genome position (GRCh38, 1-based): chr20:63,361,150, G>A on the plus strand (C>T on the coding strand, the complement: CHRNA4 is on the minus strand). VCF-style: chr20-63361150-G-A. GRCh37 (hg19) VCF-style: chr20-61992502-G-A.
Other names: p.P6S:CCC>TCC; c.16C>T (NM_000744.6); c.-471+27C>T (NM_001256573.2); short protein forms P6S.
Identifiers: ClinVar variation 205007 (VCV000205007.14), dbSNP rs796052312, ClinGen allele CA313532.